The following is an entry in ClinVar:

NM_001376.5(DYNC1H1):c.4561C>T (p.Leu1521Phe)

Gene: DYNC1H1 (dynein cytoplasmic 1 heavy chain 1; plus strand). Cytogenetic location: 14q32.31.
Variant type: single nucleotide variant.
Coding change: c.4561C>T on transcript NM_001376.5 (MANE Select); coding-DNA position 4561, C replaced by T.
Protein change: p.Leu1521Phe; replaces leucine 1521 with phenylalanine.
Molecular consequence: missense variant.
Genome position (GRCh38, 1-based): chr14:102,002,555, C>T. VCF-style: chr14-102002555-C-T. GRCh37 (hg19) VCF-style: chr14-102468892-C-T.
Other names: short protein forms L1521F.
Identifiers: ClinVar variation 1693406 (VCV001693406.2), dbSNP rs2141286880, ClinGen allele CA391042993.

ClinVar aggregate classification (germline): Uncertain significance (1 of 4 stars; one submission).

Submission:

GeneDx
Classification: Uncertain significance. Last evaluated: 2021-12-30. Review status: criteria provided, single submitter. Criteria: GeneDx Variant Classification Process June 2021. Collection method: clinical testing. Allele origin: germline. Affected: yes.
Comment: Not observed at significant frequency in large population cohorts (gnomAD); In silico analysis supports that this missense variant has a deleterious effect on protein structure/function; Has not been previously published as pathogenic or benign to our knowledge; This variant is associated with the following publications: (PMID: 26100331, 25609763, 25512093)